The following is an entry in ClinVar:

ClinVar aggregate classification (germline): Uncertain significance (1 of 4 stars; one submission).

gnomAD v4.1: 1 of 1,610,688 alleles (0.000062%); highest among the groups gnomAD compares: African/African-American, 0.0013%; no homozygotes.

Submission:

Ambry Genetics
Classification: Uncertain significance. Last evaluated: 2024-11-22. Review status: criteria provided, single submitter. Criteria: Ambry Variant Classification Scheme 2023. Collection method: clinical testing. Allele origin: germline.
Comment: The p.S851P variant (also known as c.2551T>C), located in coding exon 11 of the WNK2 gene, results from a T to C substitution at nucleotide position 2551. The serine at codon 851 is replaced by proline, an amino acid with similar properties. This amino acid position is conserved. In addition, this alteration is predicted to be tolerated by in silico analysis. Based on the available evidence, the clinical significance of this variant remains unclear.

NM_006648.4(WNK2):c.2551T>C (p.Ser851Pro)

Gene: WNK2 (WNK lysine deficient protein kinase 2; plus strand). Cytogenetic location: 9q22.31.
Variant type: single nucleotide variant.
Coding change: c.2551T>C on transcript NM_006648.4 (MANE Select); coding-DNA position 2551, T replaced by C.
Protein change: p.Ser851Pro; replaces serine 851 with proline.
Molecular consequence: missense variant.
Genome position (GRCh38, 1-based): chr9:93,259,099, T>C. VCF-style: chr9-93259099-T-C. GRCh37 (hg19) VCF-style: chr9-96021381-T-C.
Other names: c.2551T>C, p.Ser851Pro (NM_001282394.3); short protein forms S851P.
Identifiers: ClinVar variation 3470292 (VCV003470292.1).